The following is an entry in ClinVar:

ClinVar aggregate classification (germline): Uncertain significance (1 of 4 stars; one submission).

Submission:

Women's Health and Genetics/Laboratory Corporation of America, LabCorp
Classification: Uncertain significance. Last evaluated: 2024-12-23. Review status: criteria provided, single submitter. Criteria: LabCorp Variant Classification Summary - May 2015. Collection method: clinical testing. Allele origin: germline.
Comment: Variant summary: POMGNT1 c.1415T>C (p.Leu472Pro) results in a non-conservative amino acid change in the encoded protein sequence. Three of five in-silico tools predict a benign effect of the variant on protein function. Consensus agreement among computation tools predict no significant impact on normal splicing. However, these predictions have yet to be confirmed by functional studies. The variant was absent in 251496 control chromosomes (gnomAD). The available data on variant occurrences in the general population are insufficient to allow any conclusion about variant significance. c.1415T>C has been reported in the literature in at least one individual affected with retinitis pigmentosa (Colombo_2021). These report(s) do not provide unequivocal conclusions about association of the variant with Limb-Girdle Muscular Dystrophy, Autosomal Recessive. To our knowledge, no experimental evidence demonstrating an impact on protein function has been reported. The following publication have been ascertained in the context of this evaluation (PMID: 33576794). No submitters have cited clinical-significance assessments for this variant to ClinVar. Based on the evidence outlined above, the variant was classified as uncertain significance.

Literature cited by the submitters: PubMed 33576794.

NM_017739.4(POMGNT1):c.1415T>C (p.Leu472Pro)

Genes: TSPAN1 (tetraspanin 1; plus strand), POMGNT1 (protein O-linked mannose N-acetylglucosaminyltransferase 1 (beta 1,2-); minus strand). Cytogenetic location: 1p34.1.
Variant type: single nucleotide variant.
Coding change: c.1415T>C on transcript NM_017739.4 (MANE Select); coding-DNA position 1415, T replaced by C.
Protein change: p.Leu472Pro; replaces leucine 472 with proline.
Molecular consequence: missense variant.
Genome position (GRCh38, 1-based): chr1:46,192,222, A>G on the plus strand (T>C on the coding strand, the complement: POMGNT1 is on the minus strand). VCF-style: chr1-46192222-A-G. GRCh37 (hg19) VCF-style: chr1-46657894-A-G.
Other names: c.1349T>C, p.Leu450Pro (NM_001290129.3); c.986T>C, p.Leu329Pro (NM_001290130.2); c.1415T>C, p.Leu472Pro (NM_001410783.1, NM_001243766.2); short protein forms L329P, L450P, L472P.
Identifiers: ClinVar variation 3768481 (VCV003768481.1).